The following is an entry in ClinVar:

NM_001199138.2(NLRC4):c.2713G>A (p.Glu905Lys)

Gene: NLRC4 (NLR family CARD domain containing 4; minus strand). Cytogenetic location: 2p22.3.
Variant type: single nucleotide variant.
Coding change: c.2713G>A on transcript NM_001199138.2 (MANE Select); coding-DNA position 2713, G replaced by A.
Protein change: p.Glu905Lys; replaces glutamic acid 905 with lysine.
Molecular consequence: missense variant.
Genome position (GRCh38, 1-based): chr2:32,235,470, C>T on the plus strand (G>A on the coding strand, the complement: NLRC4 is on the minus strand). VCF-style: chr2-32235470-C-T. GRCh37 (hg19) VCF-style: chr2-32460539-C-T.
Other names: c.2713G>A, p.Glu905Lys (NM_001199139.2, NM_021209.5); c.718G>A, p.Glu240Lys (NM_001302504.2); short protein forms E905K, E240K.
Identifiers: ClinVar variation 664043 (VCV000664043.8), dbSNP rs1283568725, ClinGen allele CA346520697.

ClinVar aggregate classification (germline): Uncertain significance (1 of 4 stars; one submission).

Conditions:
Periodic fever-infantile enterocolitis-autoinflammatory syndrome. Also called: Autoinflammation with infantile enterocolitis. Identifiers: Orphanet 436166, MedGen C4015067, MONDO:0014472, OMIM 616050.
Familial cold autoinflammatory syndrome 4 (FCAS4). Identifiers: Orphanet 47045, Orphanet 576349, MedGen C4015276, MONDO:0014498, OMIM 616115.

Allele frequency attached by ClinVar (database versions not stated): gnomAD exomes below 0.00001; gnomAD 0.00001; TOPMed 0.00002.
gnomAD v4.1: 3 of 1,614,008 alleles (0.00019%); highest among the groups gnomAD compares: African/African-American, 0.004%; no homozygotes.

Submission:

Labcorp Genetics (formerly Invitae), Labcorp
Classification: Uncertain significance for Periodic fever-infantile enterocolitis-autoinflammatory syndrome; Familial cold autoinflammatory syndrome 4. Last evaluated: 2025-06-13. Review status: criteria provided, single submitter. Criteria: Invitae Variant Classification Sherloc (09022015). Collection method: clinical testing. Allele origin: germline.
Comment: This sequence change replaces glutamic acid, which is acidic and polar, with lysine, which is basic and polar, at codon 905 of the NLRC4 protein (p.Glu905Lys). This variant is present in population databases (no rsID available, gnomAD 0.01%). This variant has not been reported in the literature in individuals affected with NLRC4-related conditions. ClinVar contains an entry for this variant (Variation ID: 664043). Invitae Evidence Modeling of protein sequence and biophysical properties (such as structural, functional, and spatial information, amino acid conservation, physicochemical variation, residue mobility, and thermodynamic stability) indicates that this missense variant is not expected to disrupt NLRC4 protein function with a negative predictive value of 80%. In summary, the available evidence is currently insufficient to determine the role of this variant in disease. Therefore, it has been classified as a Variant of Uncertain Significance.